The following is an entry in ClinVar:

ClinVar aggregate classification (germline): Uncertain significance. Review status: criteria provided, multiple submitters, no conflicts (2 of 4 stars). 2 submissions from 2 submitters: Uncertain significance (2). Last evaluated 2024-09-23.

Conditions:
Inborn genetic diseases. Identifiers: MedGen C0950123, MeSH D030342.
Optic atrophy 3 (OPA3). Also called: OPTIC ATROPHY 3, AUTOSOMAL DOMINANT; Optic atrophy, cataract, and neurologic disorder; Optic atrophy 3 with cataract. Identifiers: Orphanet 67036, MedGen C1833809, MONDO:0008133, OMIM 165300.
3-Methylglutaconic aciduria type 3 (MGCA3). Also called: OPA3, AUTOSOMAL RECESSIVE; OPTIC ATROPHY 3, AUTOSOMAL RECESSIVE; OPA3-Related 3-Methylglutaconic Aciduria; Costeff Syndrome. Identifiers: Orphanet 67047, MedGen C0574084, MONDO:0009787, OMIM 258501.

Allele frequency attached by ClinVar (database versions not stated): gnomAD 0.00001; TOPMed 0.00001.
gnomAD v4.1: 5 of 1,608,236 alleles (0.00031%); highest among the groups gnomAD compares: Admixed American, 0.0067%; no homozygotes.

Submissions (2):

Labcorp Genetics (formerly Invitae), Labcorp
Classification: Uncertain significance for 3-Methylglutaconic aciduria type 3; Optic atrophy 3. Last evaluated: 2024-09-23. Review status: criteria provided, single submitter. Criteria: Invitae Variant Classification Sherloc (09022015). Collection method: clinical testing. Allele origin: germline.
Comment: This sequence change replaces glutamine, which is neutral and polar, with arginine, which is basic and polar, at codon 146 of the OPA3 protein (p.Gln146Arg). This variant is not present in population databases (gnomAD no frequency). This variant has not been reported in the literature in individuals affected with OPA3-related conditions. ClinVar contains an entry for this variant (Variation ID: 2187920). An algorithm developed to predict the effect of missense changes on protein structure and function (PolyPhen-2) suggests that this variant is likely to be tolerated. In summary, the available evidence is currently insufficient to determine the role of this variant in disease. Therefore, it has been classified as a Variant of Uncertain Significance.

Ambry Genetics
Classification: Uncertain significance for Inborn genetic diseases. Last evaluated: 2021-05-10. Review status: criteria provided, single submitter. Criteria: Ambry Variant Classification Scheme 2023. Collection method: clinical testing. Allele origin: germline.

NM_025136.4(OPA3):c.437A>G (p.Gln146Arg)

Genes: OPA3 (outer mitochondrial membrane lipid metabolism regulator OPA3; minus strand), OPA3-RTN2 (OPA3-RTN2 readthrough; minus strand). Cytogenetic location: 19q13.32.
Variant type: single nucleotide variant.
Coding change: c.437A>G on transcript NM_025136.4 (MANE Select); coding-DNA position 437, A replaced by G.
Protein change: p.Gln146Arg; replaces glutamine 146 with arginine.
Molecular consequence: missense variant. On other transcripts: intron variant (1).
Genome position (GRCh38, 1-based): chr19:45,553,617, T>C on the plus strand (A>G on the coding strand, the complement: OPA3 is on the minus strand). VCF-style: chr19-45553617-T-C. GRCh37 (hg19) VCF-style: chr19-46056875-T-C.
Other names: c.143-24161A>G (NM_001017989.3); c.437A>G (NM_025136.3); short protein forms Q146R.
Identifiers: ClinVar variation 2187920 (VCV002187920.4), dbSNP rs1371375815, ClinGen allele CA406369993.